The following is an entry in ClinVar:

ClinVar aggregate classification (germline): Uncertain significance (1 of 4 stars; one submission).

Conditions:
Cardiovascular phenotype. Identifiers: MedGen CN230736.

gnomAD v4.1: 3 of 1,613,780 alleles (0.00019%); highest among the groups gnomAD compares: Non-Finnish European, 0.00025%; no homozygotes.

Submission:

Ambry Genetics
Classification: Uncertain significance for Cardiovascular phenotype. Last evaluated: 2024-04-21. Review status: criteria provided, single submitter. Criteria: Ambry Variant Classification Scheme 2023. Collection method: clinical testing. Allele origin: germline.
Comment: The p.I199T variant (also known as c.596T>C), located in coding exon 4 of the CBL gene, results from a T to C substitution at nucleotide position 596. The isoleucine at codon 199 is replaced by threonine, an amino acid with similar properties. This amino acid position is conserved. In addition, this alteration is predicted to be deleterious by in silico analysis. Based on the available evidence, the clinical significance of this variant remains unclear.

NM_005188.4(CBL):c.596T>C (p.Ile199Thr)

Gene: CBL (Cbl proto-oncogene; plus strand). Cytogenetic location: 11q23.3.
Variant type: single nucleotide variant.
Coding change: c.596T>C on transcript NM_005188.4 (MANE Select); coding-DNA position 596, T replaced by C.
Protein change: p.Ile199Thr; replaces isoleucine 199 with threonine.
Molecular consequence: missense variant.
Genome position (GRCh38, 1-based): chr11:119,273,873, T>C. VCF-style: chr11-119273873-T-C. GRCh37 (hg19) VCF-style: chr11-119144583-T-C.
Other names: short protein forms I199T.
Identifiers: ClinVar variation 3263622 (VCV003263622.1).